The following is an entry in ClinVar:

NM_002470.4(MYH3):c.4049A>C (p.Glu1350Ala)

Gene: MYH3 (myosin heavy chain 3; minus strand). Cytogenetic location: 17p13.1.
Variant type: single nucleotide variant.
Coding change: c.4049A>C on transcript NM_002470.4 (MANE Select); coding-DNA position 4049, A replaced by C.
Protein change: p.Glu1350Ala; replaces glutamic acid 1350 with alanine.
Molecular consequence: missense variant.
Genome position (GRCh38, 1-based): chr17:10,635,490, T>G on the plus strand (A>C on the coding strand, the complement: MYH3 is on the minus strand). VCF-style: chr17-10635490-T-G. GRCh37 (hg19) VCF-style: chr17-10538807-T-G.
Other names: c.4049A>C (NM_002470.3); short protein forms E1350A.
Identifiers: ClinVar variation 3014305 (VCV003014305.4), dbSNP rs1033324060, ClinGen allele CA287781969.
Genomic context (GRCh38, chr17:10,635,490, plus strand): 5'-GCAACCTCACTATTGGCCTTGGACAGCGCCCTCTGCAGCTCAGCTTTGCCTTCCTGCTCC[T>G]CCTCATACTGTTCCCGCAGCAGGTCACAGTCGTGGCGGGAGGACTGCAGGGCGTGCGCCA-3'
Protein context (NP_002461.2, residues 1340-1360): DCDLLREQYE[Glu1350Ala]EQEGKAELQR

ClinVar aggregate classification (germline): Uncertain significance. Review status: criteria provided, multiple submitters, no conflicts (2 of 4 stars). 2 submissions from 2 submitters: Uncertain significance (2). Last evaluated 2025-03-26.

Conditions:
Inborn genetic diseases. Identifiers: MedGen C0950123, MeSH D030342.

Allele frequency attached by ClinVar (database versions not stated): gnomAD 0.00001; TOPMed 0.00001.
gnomAD v4.1: 1 of 1,614,094 alleles (0.000062%); highest among the groups gnomAD compares: African/African-American, 0.0013%; no homozygotes.

Submissions (2):

Ambry Genetics
Classification: Uncertain significance for Inborn genetic diseases. Last evaluated: 2025-03-26. Review status: criteria provided, single submitter. Criteria: Ambry Variant Classification Scheme 2023. Collection method: clinical testing. Allele origin: germline.

Labcorp Genetics (formerly Invitae), Labcorp
Classification: Uncertain significance. Last evaluated: 2023-03-30. Review status: criteria provided, single submitter. Criteria: Invitae Variant Classification Sherloc (09022015). Collection method: clinical testing. Allele origin: germline.
Comment: This sequence change replaces glutamic acid, which is acidic and polar, with alanine, which is neutral and non-polar, at codon 1350 of the MYH3 protein (p.Glu1350Ala). This variant is present in population databases (no rsID available, gnomAD 0.01%). This variant has not been reported in the literature in individuals affected with MYH3-related conditions. Advanced modeling of protein sequence and biophysical properties (such as structural, functional, and spatial information, amino acid conservation, physicochemical variation, residue mobility, and thermodynamic stability) performed at Invitae indicates that this missense variant is not expected to disrupt MYH3 protein function. In summary, the available evidence is currently insufficient to determine the role of this variant in disease. Therefore, it has been classified as a Variant of Uncertain Significance.